The following is an entry in ClinVar:

ClinVar aggregate classification (germline): Benign (1 of 4 stars; one submission).

Conditions:
Lynch syndrome 4 (LYNCH4). Also called: Colorectal cancer, hereditary nonpolyposis, type 4; Hereditary non-polyposis colorectal cancer, type 4. Identifiers: Orphanet 144, MedGen C1838333, MONDO:0013699, OMIM 614337. Disease mechanism: loss of function.

gnomAD v4.1: 1 of 1,607,040 alleles (0.000062%); no homozygotes.

Submission:

Myriad Genetics, Inc.
Classification: Benign for Lynch syndrome 4. Last evaluated: 2025-01-28. Review status: criteria provided, single submitter. Criteria: Myriad Autosomal Dominant, Autosomal Recessive and X-Linked Classification Criteria (2023). Collection method: clinical testing. Allele origin: unknown.
Comment: This variant is considered benign. This variant is a silent/synonymous amino acid change and it is not expected to impact splicing.

NM_000535.7(PMS2):c.750C>G (p.Ser250=)

Gene: PMS2 (PMS1 homolog 2, mismatch repair system component; minus strand). Cytogenetic location: 7p22.1.
Variant type: single nucleotide variant.
Coding change: c.750C>G on transcript NM_000535.7 (MANE Select); coding-DNA position 750, C replaced by G.
Protein change: p.Ser250=; no amino-acid change (serine 250 retained).
Molecular consequence: synonymous variant. On other transcripts: 5 prime UTR variant (2), non-coding transcript variant (1), intron variant (3).
Genome position (GRCh38, 1-based): chr7:5,997,379, G>C on the plus strand (C>G on the coding strand, the complement: PMS2 is on the minus strand). VCF-style: chr7-5997379-G-C. GRCh37 (hg19) VCF-style: chr7-6037010-G-C.
Other names: c.345C>G, p.Ser115= (NM_001322003.2, NM_001322004.2, NM_001322005.2 and 19 more transcripts); c.750C>G, p.Ser250= (NM_001322006.2, NM_001322014.2, NM_001406870.1 and 3 more transcripts); c.432C>G, p.Ser144= (NM_001322007.2, NM_001322008.2, NM_001406876.1 and 4 more transcripts); c.-184C>G (NM_001322011.2, NM_001322012.2); c.177C>G, p.Ser59= (NM_001322013.2, NM_001406909.1); c.441C>G, p.Ser147= (NM_001322015.2, NM_001406875.1, NM_001406877.1 and 6 more transcripts); c.936C>G, p.Ser312= (NM_001406866.1); c.774C>G, p.Ser258= (NM_001406868.1); and 7 more.
Identifiers: ClinVar variation 3903654 (VCV003903654.1).